The following is an entry in ClinVar:

NM_021072.4(HCN1):c.1141G>C (p.Val381Leu)

Gene: HCN1 (hyperpolarization activated cyclic nucleotide gated potassium channel 1; minus strand). Cytogenetic location: 5p12.
Variant type: single nucleotide variant.
Coding change: c.1141G>C on transcript NM_021072.4 (MANE Select); coding-DNA position 1141, G replaced by C.
Protein change: p.Val381Leu; replaces valine 381 with leucine.
Molecular consequence: missense variant.
Genome position (GRCh38, 1-based): chr5:45,396,581, C>G on the plus strand (G>C on the coding strand, the complement: HCN1 is on the minus strand). VCF-style: chr5-45396581-C-G. GRCh37 (hg19) VCF-style: chr5-45396683-C-G.
Other names: short protein forms V381L.
Identifiers: ClinVar variation 3378244 (VCV003378244.1).

ClinVar aggregate classification (germline): Uncertain significance (1 of 4 stars; one submission).

Submission:

GeneDx
Classification: Uncertain significance. Last evaluated: 2024-05-14. Review status: criteria provided, single submitter. Criteria: GeneDx Variant Classification Process June 2021. Collection method: clinical testing. Allele origin: germline. Affected: yes.
Comment: Not observed at significant frequency in large population cohorts (gnomAD); In silico analysis supports that this missense variant has a deleterious effect on protein structure/function; Has not been previously published as pathogenic or benign to our knowledge